The following is an entry in ClinVar:

ClinVar aggregate classification (germline): Pathogenic/Likely pathogenic. Review status: no assertion criteria provided (0 of 4 stars). 3 submissions from 3 submitters: Pathogenic (2); Likely pathogenic (1). Last evaluated 2017-12-30.

Conditions:
Meckel syndrome, type 3 (MKS3). Also called: MECKEL-GRUBER SYNDROME, TYPE 3. Identifiers: Orphanet 564, MedGen C1846357, MONDO:0011821, OMIM 607361.

Submissions (3):

Department of Genetics, Sultan Qaboos University Hospital
Classification: Pathogenic for Meckel syndrome, type 3. Last evaluated: 2017-12-30. Review status: no assertion criteria provided. Collection method: curation. Allele origin: unknown. Affected: yes.

OMIM
Classification: Pathogenic for MECKEL SYNDROME, TYPE 3. Last evaluated: 2006-02-01. Review status: no assertion criteria provided. Collection method: literature only. Allele origin: germline.

Juha Muilu Group; Institute for Molecular Medicine Finland (FIMM)
Classification: Likely pathogenic for Meckel syndrome type 3. Review status: no assertion criteria provided. Collection method: not provided. Allele origin: unknown.
Comment: FinDis database variant: This variant was not found or characterized by our laboratory, data were collected from public sources: see reference
ClinVar note: Converted during submission from probable-pathogenic to Likely pathogenic.

Literature cited by the submitters: PubMed 17397051 (cited by Department of Genetics, Sultan Qaboos University Hospital); PubMed 16415887 (cited by OMIM).

NM_153704.6(TMEM67):c.383_384del (p.His128fs)

Gene: TMEM67 (transmembrane protein 67; plus strand). Cytogenetic location: 8q22.1.
Variant type: Deletion.
Coding change: c.383_384del on transcript NM_153704.6 (MANE Select); coding-DNA positions 383 to 384, 2 bases deleted (AC; older notation c.383_384delAC).
Protein change: p.His128fs; shifts the reading frame from histidine 128.
Molecular consequence: frameshift variant. On other transcripts: non-coding transcript variant (1).
Genome position (GRCh38, 1-based): chr8:93,758,553-93,758,554, AC deleted; deleting any 2 consecutive bases within chr8:93,758,552-93,758,554 gives the same sequence; the c. name uses the placement nearest the transcript's 3' end. VCF-style (leftmost placement, unchanged base first): chr8-93758551-TCA-T. GRCh37 (hg19) VCF-style: chr8-94770779-TCA-T.
Other names: c.6_7del, p.Leu3fs (NM_001142301.1); c.383_384delAC (NM_153704.5); short protein forms L3fs, H128fs.
Identifiers: ClinVar variation 1365 (VCV000001365.3), dbSNP rs386834200, ClinGen allele CA212764.